The following is an entry in ClinVar:

NM_001377265.1(MAPT):c.2263G>A (p.Val755Ile)

Gene: MAPT (microtubule associated protein tau). Cytogenetic location: 17q21.31.
Variant type: single nucleotide variant.
Coding change: c.2263G>A on transcript NM_001377265.1 (MANE Select); coding-DNA position 2263, G replaced by A.
Protein change: p.Val755Ile; replaces valine 755 with isoleucine.
Molecular consequence: missense variant. On other transcripts: non-coding transcript variant (1), intron variant (1).
Genome position (GRCh38, 1-based): chr17:46,018,707, G>A. VCF-style: chr17-46018707-G-A. GRCh37 (hg19) VCF-style: chr17-44096073-G-A.
Other names: p.Val363Ile; c.2092G>A, p.Val698Ile (NM_001123066.4); c.1000G>A, p.Val334Ile (NM_001123067.4); c.907G>A, p.Val303Ile (NM_001203251.2); c.994G>A, p.Val332Ile (NM_001203252.2); c.1972G>A, p.Val658Ile (NM_001377266.1); c.820G>A, p.Val274Ile (NM_001377268.1, NM_016841.5); c.1087G>A, p.Val363Ile (NM_005910.6); and 4 more; short protein forms V680I, V363I, V332I, V305I, V698I, V303I, V274I, V334I.
Identifiers: ClinVar variation 98231 (VCV000098231.51), dbSNP rs63750869, ClinGen allele CA225490.

ClinVar aggregate classification (germline): Conflicting classifications of pathogenicity. Review status: criteria provided, conflicting classifications (1 of 4 stars). 7 submissions from 7 submitters: Pathogenic (2); Likely pathogenic (2); Uncertain significance (1). 2 of the submissions do not count toward it. Last evaluated 2025-01-02.

Conditions:
MAPT-related disorder. Also called: MAPT-related condition; MAPT-Related Disorders.
Frontotemporal dementia (FTD1). Also called: FRONTOTEMPORAL DEMENTIA WITH PARKINSONISM; FRONTOTEMPORAL LOBE DEMENTIA; MULTIPLE SYSTEM TAUOPATHY WITH PRESENILE DEMENTIA; WILHELMSEN-LYNCH DISEASE; Frontotemporal lobe dementia (FLDEM); Dementia, frontotemporal, with or without parkinsonism. Identifiers: Orphanet 282, MedGen C0338451, MONDO:0017276, OMIM 600274, HP:0002145.

Allele frequency attached by ClinVar (database versions not stated): ExAC 0.00002; gnomAD exomes 0.00002; TOPMed 0.00002; gnomAD 0.00005 and 0.00006.
gnomAD v4.1: 41 of 1,613,842 alleles (0.0025%); highest among the groups gnomAD compares: Middle Eastern, 0.033%; no homozygotes.

Submissions (7):

Women's Health and Genetics/Laboratory Corporation of America, LabCorp
Classification: Pathogenic for MAPT-Related Disorders. Last evaluated: 2025-01-02. Review status: criteria provided, single submitter. Criteria: LabCorp Variant Classification Summary - May 2015. Collection method: clinical testing. Allele origin: germline.
Comment: Variant summary: MAPT c.1087G>A (p.Val363Ile) results in a conservative amino acid change in the encoded protein sequence. Four of five in-silico tools predict a benign effect of the variant on protein function. The variant allele was found at a frequency of 2.4e-05 in 251490 control chromosomes. c.1087G>A has been reported in the literature in multiple heterozygous individuals affected with MAPT-Related Disorders (examples: Bessi_2010, Anfossi_2011, Rossi_2013, Ahmed_2019, Parmera_2023, Internal data). These data indicate that the variant is very likely to be associated with disease. However, litearture supports that the variant may have incomplete penetrance (Anfossi_2011 and Parmera_2023). The following publications have been ascertained in the context of this evaluation (PMID: 21343707, 23047372, 20598713, 31404212, 37070053). ClinVar contains an entry for this variant (Variation ID: 98231). Based on the evidence outlined above, the variant was classified as pathogenic.

GeneDx
Classification: Uncertain significance. Last evaluated: 2024-09-09. Review status: criteria provided, single submitter. Criteria: GeneDx Variant Classification Process June 2021. Collection method: clinical testing. Allele origin: germline. Affected: yes.
Comment: In silico analysis indicates that this missense variant does not alter protein structure/function; This variant is associated with the following publications: (PMID: 21343707, 20598713, 29936232, 34999006, 31404212, 24018212, 31653695, 23047372, 37304025, 34158384, 17712160, 37070053, 35896380)

Mayo Clinic Laboratories, Mayo Clinic
Classification: Likely pathogenic. Last evaluated: 2024-07-23. Review status: criteria provided, single submitter. Criteria: ACMG Guidelines, 2015. Collection method: clinical testing. Allele origin: germline. Observed: 1 variant allele.
Comment: PP4, PM5, PS3, PS4_moderate

Labcorp Genetics (formerly Invitae), Labcorp
Classification: Pathogenic for Frontotemporal dementia. Last evaluated: 2022-07-20. Review status: criteria provided, single submitter. Criteria: Invitae Variant Classification Sherloc (09022015). Collection method: clinical testing. Allele origin: germline.
Comment: This sequence change replaces valine, which is neutral and non-polar, with isoleucine, which is neutral and non-polar, at codon 363 of the MAPT protein (p.Val363Ile). This variant is present in population databases (rs63750869, gnomAD 0.008%). This missense change has been observed in individuals with clinical features of MAPT-related conditions (PMID: 20598713, 21343707, 23047372, 31404212; Invitae). ClinVar contains an entry for this variant (Variation ID: 98231). Algorithms developed to predict the effect of missense changes on protein structure and function are either unavailable or do not agree on the potential impact of this missense change (SIFT: "Tolerated"; PolyPhen-2: "Possibly Damaging"; Align-GVGD: "Class C0"). Experimental studies have shown that this missense change affects MAPT function (PMID: 24018212). This variant disrupts the p.Val363 amino acid residue in MAPT. Other variant(s) that disrupt this residue have been observed in individuals with MAPT-related conditions (PMID: 24018212), which suggests that this may be a clinically significant amino acid residue. For these reasons, this variant has been classified as Pathogenic.

CeGaT Center for Human Genetics Tuebingen
Classification: Likely pathogenic. Last evaluated: 2016-08-01. Review status: criteria provided, single submitter. Criteria: CeGaT Center For Human Genetics Tuebingen Variant Classification Criteria Version 2. Collection method: clinical testing. Allele origin: germline. Affected: yes. Observed: 1 variant allele.

PreventionGenetics, part of Exact Sciences
Classification: Uncertain significance for MAPT-related condition. Last evaluated: 2024-02-06. Review status: no assertion criteria provided. Collection method: clinical testing. Allele origin: germline. Not counted in ClinVar's aggregate classification.
Comment: The MAPT c.2092G>A variant is predicted to result in the amino acid substitution p.Val698Ile. This variant, also described as p.Val363Ile, has been reported in individuals with tauopathy spectrum disorders (Munoz et al. 2007. PubMed ID: 17712160; Rossi et al. 2013. PubMed ID: 24018212; Bessi et al. 2010. PubMed ID: 20598713; Ahmed et al. 2019. PubMed ID: 31404212; Parmera et al. 2023. PubMed ID: 37070053 ). While immunohistochemistry revealed abnormal tau staining and neuropathologic findings in patient brain tissue (Figure 2, Ahmed et al. 2019. PubMed ID: 31404212), testing for this variant in asymptomatic family members of other patients did not appear to segregate with disease, suggesting this variant may not be completely penetrant (Munoz et al. 2007. PubMed ID: 17712160; Anfossi et al. 2011. PubMed ID: 21343707; Parmera et al. 2023. PubMed ID: 37070053). Additional in vitro functional studies demonstrated that expression of this variant lead to a greater ability to promote microtubule assembly compared to wildtype (Figure 2, Rossi et al. 2014. PubMed ID: 24018212). This variant is reported in 0.0080% of alleles in individuals of African descent in gnomAD. Although we suspect this variant may be pathogenic, the clinical significance of this variant is uncertain due to the absence of conclusive functional and genetic evidence.

VIB  Department of Molecular Genetics, University of Antwerp
No classification provided. Review status: no classification provided. Collection method: not provided. Allele origin: not provided. Not counted in ClinVar's aggregate classification.

Literature cited by the submitters: PubMed 31404212 (cited by 3 submitters); PubMed 21343707 (cited by 3 submitters); PubMed 20598713 (cited by 3 submitters); PubMed 37070053 (cited by Women's Health and Genetics/Laboratory Corporation of America, LabCorp and Mayo Clinic Laboratories, Mayo Clinic); PubMed 23047372 (cited by 3 submitters); PubMed 17712160 (cited by Mayo Clinic Laboratories, Mayo Clinic); PubMed 24018212 (cited by Mayo Clinic Laboratories, Mayo Clinic and Labcorp Genetics (formerly Invitae), Labcorp); PubMed 29936232 (cited by Mayo Clinic Laboratories, Mayo Clinic); PubMed 34158384 (cited by Mayo Clinic Laboratories, Mayo Clinic); PubMed 34999006 (cited by Mayo Clinic Laboratories, Mayo Clinic); PubMed 35896380 (cited by Mayo Clinic Laboratories, Mayo Clinic).